The following is an entry in ClinVar:

NM_014043.4(CHMP2B):c.538A>G (p.Lys180Glu)

Gene: CHMP2B (charged multivesicular body protein 2B; plus strand). Cytogenetic location: 3p11.2.
Variant type: single nucleotide variant.
Coding change: c.538A>G on transcript NM_014043.4 (MANE Select); coding-DNA position 538, A replaced by G.
Protein change: p.Lys180Glu; replaces lysine 180 with glutamic acid.
Molecular consequence: missense variant.
Genome position (GRCh38, 1-based): chr3:87,253,718, A>G. VCF-style: chr3-87253718-A-G. GRCh37 (hg19) VCF-style: chr3-87302868-A-G.
Other names: c.415A>G, p.Lys139Glu (NM_001244644.2); c.634A>G, p.Lys212Glu (NM_001410777.1); short protein forms K139E, K180E, K212E.
Identifiers: ClinVar variation 4531908 (VCV004531908.1).

ClinVar aggregate classification (germline): Uncertain significance (1 of 4 stars; one submission).

Conditions:
Frontotemporal dementia and/or amyotrophic lateral sclerosis 7 (FTDALS7). Also called: CHMP2B-related frontotemporal dementia; Amyotrophic lateral sclerosis 17; AMYOTROPHIC LATERAL SCLEROSIS, CHMP2B-RELATED; CHMP2B-Related Frontotemporal Dementia-Amyotrophic Lateral Sclerosis. Identifiers: Orphanet 275864, Orphanet 282, Orphanet 803, MedGen C1833296, MONDO:0010936, OMIM 600795.

gnomAD v4.1: 2 of 1,612,090 alleles (0.00012%); highest among the groups gnomAD compares: Middle Eastern, 0.017%; no homozygotes.

Submission:

Victorian Clinical Genetics Services, Murdoch Childrens Research Institute
Classification: Uncertain significance for Frontotemporal dementia and/or amyotrophic lateral sclerosis 7. Last evaluated: 2025-07-31. Review status: criteria provided, single submitter. Criteria: ACMG Guidelines, 2015. Collection method: clinical testing. Allele origin: germline. Affected: yes.
Comment: This variant is classified as VUS-3B. Evidence in support of pathogenic classification: Variant is present in gnomAD <0.001 for a dominant condition (v4: 2 heterozygote(s), 0 homozygote(s)). Additional information: Variant is predicted to result in a missense amino acid change from Lys to Glu; This variant is heterozygous; This gene is associated with autosomal dominant disease; Alternative amino acid change(s) at the same position are present in gnomAD (Highest allele count: v4: 1 heterozygote(s), 0 homozygote(s)); This variant has no previous evidence of pathogenicity; No published evidence of segregation with disease has been identified for this variant; No published functional evidence has been identified for this variant; No comparable missense variants have previous evidence for pathogenicity; Variant is located in the annotated Snf7 domain (DECIPHER); Missense variant with inconclusive in silico prediction and uninformative conservation; Gain of function is a known mechanism of disease in this gene and is associated with frontotemporal dementia and/or amyotrophic lateral sclerosis 7 MIM#600795; Variants in this gene are known to have variable expressivity (OMIM); Inheritance information for this variant is not currently available in this individual.